The following is an entry in ClinVar:

NM_001457.4(FLNB):c.3953T>C (p.Phe1318Ser)

Gene: FLNB (filamin B; plus strand). Cytogenetic location: 3p14.3.
Variant type: single nucleotide variant.
Coding change: c.3953T>C on transcript NM_001457.4 (MANE Select); coding-DNA position 3953, T replaced by C.
Protein change: p.Phe1318Ser; replaces phenylalanine 1318 with serine.
Molecular consequence: missense variant.
Genome position (GRCh38, 1-based): chr3:58,125,635, T>C. VCF-style: chr3-58125635-T-C. GRCh37 (hg19) VCF-style: chr3-58111362-T-C.
Other names: c.3953T>C, p.Phe1318Ser (NM_001164317.2, NM_001164318.2, NM_001164319.2); short protein forms F1318S.
Identifiers: ClinVar variation 5016922 (VCV005016922.1).

ClinVar aggregate classification (germline): Uncertain significance (1 of 4 stars; one submission).

Submission:

GeneDx
Classification: Uncertain significance. Last evaluated: 2026-03-23. Review status: criteria provided, single submitter. Criteria: GeneDx Variant Classification Process June 2021. Collection method: clinical testing. Allele origin: germline.
Comment: Not observed at significant frequency in large population cohorts (gnomAD); In silico analysis supports that this missense variant has a deleterious effect on protein structure/function; Has not been previously published as pathogenic or benign to our knowledge